The following is an entry in ClinVar:

NM_001014.5(RPS10):c.456+3_456+6del

Genes: RPS10 (ribosomal protein S10; minus strand), RPS10-NUDT3 (RPS10-NUDT3 readthrough; minus strand). Cytogenetic location: 6p21.31.
Variant type: Deletion.
Coding change: c.456+3_456+6del on transcript NM_001014.5 (MANE Select); bases 3 to 6 of the intron after coding-DNA position 456, 4 bases deleted (GAGT; older notation c.456+3_456+6delGAGT).
Molecular consequence: splice donor variant.
Genome position (GRCh38, 1-based): chr6:34,418,363-34,418,366, ACTC deleted on the plus strand (GAGT on the coding strand, the reverse complement: RPS10 is on the minus strand); deleting any 4 consecutive bases within chr6:34,418,363-34,418,368 gives the same sequence; the c. name uses the placement nearest the transcript's 3' end. VCF-style (leftmost placement, unchanged base first): chr6-34418362-TACTC-T. GRCh37 (hg19) VCF-style: chr6-34386139-TACTC-T.
Other names: c.456+3_456+6del (NM_001202470.3, NM_001204091.2, NM_001203245.3).
Identifiers: ClinVar variation 1021090 (VCV001021090.7), dbSNP rs1765647224, ClinGen allele CA1620451948.
Genomic context (GRCh38, chr6:34,418,362, plus strand): 5'-TGCAGAGCAACCAGACTGAGGCCAGAACAAGTGATGGCTCATGGAAAACAAATAGGAAGA[TACTC>T]ACAAACTGGAATTCGGTTGCTGACCCAGCCCCAGCCTCGGCTTTCTTGTCGGCACCAGCT-3'

ClinVar aggregate classification (germline): Uncertain significance (1 of 4 stars; one submission).

Conditions:
Diamond-Blackfan anemia. Also called: Aase syndrome; Blackfan Diamond syndrome; Aregenerative anemia chronic congenital; Red cell aplasia, pure hereditary; Congenital hypoplastic anemia. Identifiers: Orphanet 124, MedGen C1260899, MeSH D029503, MONDO:0015253, HP:0004810.

Submission:

Labcorp Genetics (formerly Invitae), Labcorp
Classification: Uncertain significance for Diamond-Blackfan anemia. Last evaluated: 2025-07-13. Review status: criteria provided, single submitter. Criteria: Invitae Variant Classification Sherloc (09022015). Collection method: clinical testing. Allele origin: germline.
Comment: This sequence change falls in intron 5 of the RPS10 gene. It does not directly change the encoded amino acid sequence of the RPS10 protein. It affects a nucleotide within the consensus splice site. This variant is not present in population databases (gnomAD no frequency). This variant has not been reported in the literature in individuals affected with RPS10-related conditions. ClinVar contains an entry for this variant (Variation ID: 1021090). Variants that disrupt the consensus splice site are a relatively common cause of aberrant splicing (PMID: 17576681, 9536098). Algorithms developed to predict the effect of sequence changes on RNA splicing suggest that this variant may disrupt the consensus splice site. In summary, the available evidence is currently insufficient to determine the role of this variant in disease. Therefore, it has been classified as a Variant of Uncertain Significance.

Literature cited by the submitters: PubMed 17576681; PubMed 9536098.